The following is an entry in ClinVar:

NM_014874.4(MFN2):c.403C>T (p.Arg135Trp)

Gene: MFN2 (mitofusin 2; plus strand). Cytogenetic location: 1p36.22.
Variant type: single nucleotide variant.
Coding change: c.403C>T on transcript NM_014874.4 (MANE Select); coding-DNA position 403, C replaced by T.
Protein change: p.Arg135Trp; replaces arginine 135 with tryptophan.
Molecular consequence: missense variant.
Genome position (GRCh38, 1-based): chr1:11,996,247, C>T. VCF-style: chr1-11996247-C-T. GRCh37 (hg19) VCF-style: chr1-12056304-C-T.
Other names: c.403C>T, p.Arg135Trp (NM_001127660.2); short protein forms R135W.
Identifiers: ClinVar variation 3629434 (VCV003629434.3).

ClinVar aggregate classification (germline): Uncertain significance (1 of 4 stars; one submission).

Conditions:
Charcot-Marie-Tooth disease type 2. Also called: Charcot-Marie-Tooth type 2. Identifiers: Orphanet 64746, MedGen C0270914, MONDO:0018993.

Submissions (2):

Labcorp Genetics (formerly Invitae), Labcorp
Classification: Uncertain significance for Charcot-Marie-Tooth disease type 2. Last evaluated: 2024-11-18. Review status: criteria provided, single submitter. Criteria: Invitae Variant Classification Sherloc (09022015). Collection method: clinical testing. Allele origin: germline.
Comment: This sequence change replaces arginine, which is basic and polar, with tryptophan, which is neutral and slightly polar, at codon 135 of the MFN2 protein (p.Arg135Trp). This variant is not present in population databases (gnomAD no frequency). This variant has not been reported in the literature in individuals affected with MFN2-related conditions. Invitae Evidence Modeling of protein sequence and biophysical properties (such as structural, functional, and spatial information, amino acid conservation, physicochemical variation, residue mobility, and thermodynamic stability) has been performed for this missense variant. However, the output from this modeling did not meet the statistical confidence thresholds required to predict the impact of this variant on MFN2 protein function. In summary, the available evidence is currently insufficient to determine the role of this variant in disease. Therefore, it has been classified as a Variant of Uncertain Significance.

Dr. Peter K. Rogan Lab, Western University
No classification provided (evidence only). Condition: Malignant tumor of esophagus. Review status: no classification provided. Collection method: in vitro. Allele origin: not applicable. Functional consequence: retained intron. Not counted in ClinVar's aggregate classification.